The following is an entry in ClinVar:

NM_002519.3(NPAT):c.3623C>T (p.Thr1208Ile)

Gene: NPAT (nuclear protein, coactivator of histone transcription; minus strand). Cytogenetic location: 11q22.3.
Variant type: single nucleotide variant.
Coding change: c.3623C>T on transcript NM_002519.3 (MANE Select); coding-DNA position 3623, C replaced by T.
Protein change: p.Thr1208Ile; replaces threonine 1208 with isoleucine.
Molecular consequence: missense variant.
Genome position (GRCh38, 1-based): chr11:108,161,463, G>A on the plus strand (C>T on the coding strand, the complement: NPAT is on the minus strand). VCF-style: chr11-108161463-G-A. GRCh37 (hg19) VCF-style: chr11-108032190-G-A.
Other names: c.3644C>T, p.Thr1215Ile (NM_001321307.1); short protein forms T1215I, T1208I.
Identifiers: ClinVar variation 1733346 (VCV001733346.3), dbSNP rs369916276, ClinGen allele CA6263552.

ClinVar aggregate classification (germline): Uncertain significance (1 of 4 stars; one submission).

Allele frequency attached by ClinVar (database versions not stated): gnomAD exomes below 0.00001; ExAC 0.00001; gnomAD 0.00001; ESP Exome Variant Server 0.00008.

Submission:

Ambry Genetics
Classification: Uncertain significance. Last evaluated: 2024-06-21. Review status: criteria provided, single submitter. Criteria: Ambry Variant Classification Scheme 2023. Collection method: clinical testing. Allele origin: germline.
Comment: The p.T1208I variant (also known as c.3623C>T), located in coding exon 17 of the NPAT gene, results from a C to T substitution at nucleotide position 3623. The threonine at codon 1208 is replaced by isoleucine, an amino acid with similar properties. This amino acid position is conserved. In addition, this alteration is predicted to be tolerated by in silico analysis. Since supporting evidence is limited at this time, the clinical significance of this alteration remains unclear.